The following is an entry in ClinVar:

NM_032436.4(CHAMP1):c.1962T>G (p.Asp654Glu)

Gene: CHAMP1 (chromosome alignment maintaining phosphoprotein 1; plus strand). Cytogenetic location: 13q34.
Variant type: single nucleotide variant.
Coding change: c.1962T>G on transcript NM_032436.4 (MANE Select); coding-DNA position 1962, T replaced by G.
Protein change: p.Asp654Glu; replaces aspartic acid 654 with glutamic acid.
Molecular consequence: missense variant.
Genome position (GRCh38, 1-based): chr13:114,325,804, T>G. VCF-style: chr13-114325804-T-G. GRCh37 (hg19) VCF-style: chr13-115091279-T-G.
Other names: c.1962T>G, p.Asp654Glu (NM_001164144.3, NM_001164145.3); short protein forms D654E.
Identifiers: ClinVar variation 5009737 (VCV005009737.1).
Genomic context (GRCh38, chr13:114,325,804, plus strand): 5'-TGAGTACATAAAAACAGATTTGGATGCGATGGATATTAAGGGCCAGGAATCAAGCAGTGA[T>G]CAAGAGCAGGTTGATGTGGAATCCATTGATTTTAGCAAAGAGAACAAAATGGACATGACT-3'
Protein context (NP_115812.1, residues 644-664): MDIKGQESSS[Asp654Glu]QEQVDVESID

ClinVar aggregate classification (germline): Uncertain significance (1 of 4 stars; one submission).

Submission:

GeneDx
Classification: Uncertain significance. Last evaluated: 2026-02-18. Review status: criteria provided, single submitter. Criteria: GeneDx Variant Classification Process June 2021. Collection method: clinical testing. Allele origin: germline.
Comment: Not observed at significant frequency in large population cohorts (gnomAD); In silico analysis suggests that this missense variant does not alter protein structure/function; Has not been previously published as pathogenic or benign to our knowledge